The following is an entry in ClinVar:

ClinVar aggregate classification (germline): Pathogenic (1 of 4 stars; one submission).

Submission:

GeneDx
Classification: Pathogenic. Last evaluated: 2018-05-02. Review status: criteria provided, single submitter. Criteria: GeneDx Variant Classification (06012015). Collection method: clinical testing. Allele origin: germline. Affected: yes.
Comment: The c.21dupG pathogenic variant in the CASK gene causes a frameshift starting with codon Phenylalanine 8, changes this amino acid to a Valine residue and creates a premature Stop codon at position 37 of the new reading frame, denoted p.Phe8ValfsX37. This pathogenic variant is predicted to cause loss of normal protein function either through protein truncation or nonsense-mediated mRNA decay. The c.21dupG variant is not observed in large population cohorts (Lek et al., 2016).

NM_001367721.1(CASK):c.21dup (p.Phe8fs)

Gene: CASK (calcium/calmodulin dependent serine protein kinase; minus strand). Cytogenetic location: Xp11.4.
Variant type: Duplication.
Coding change: c.21dup on transcript NM_001367721.1 (MANE Select); coding-DNA position 21, one base duplicated (G; older notation c.21dupG).
Protein change: p.Phe8fs; shifts the reading frame from phenylalanine 8.
Molecular consequence: frameshift variant.
Genome position (GRCh38, 1-based): chrX:41,922,968, C duplicated on the plus strand (G on the coding strand, the reverse complement: CASK is on the minus strand). VCF-style (leftmost placement, unchanged base first): chrX-41922967-A-AC. GRCh37 (hg19) VCF-style: chrX-41782220-A-AC.
Other names: c.21dupG (NM_003688.3); c.21dup, p.Phe8Valfs (NM_001126054.3, NM_001126055.3, NM_001410745.1 and 1 more transcripts); short protein forms F8fs.
Identifiers: ClinVar variation 545907 (VCV000545907.2), dbSNP rs1556313509, ClinGen allele CA658825039.